The following is an entry in ClinVar:

ClinVar aggregate classification (germline): Uncertain significance (1 of 4 stars; one submission).

Conditions:
Danon disease. Also called: PSEUDOGLYCOGENOSIS II; GSD IIb; LYSOSOMAL GLYCOGEN STORAGE DISEASE WITHOUT ACID MALTASE DEFICIENCY; ANTOPOL DISEASE; Glycogen Storage Disease Type IIb. Identifiers: Orphanet 34587, MedGen C0878677, MONDO:0010281, OMIM 300257.

Allele frequency attached by ClinVar (database versions not stated): gnomAD exomes 0.00001.
gnomAD v4.1: 8 of 1,198,993 alleles (0.00067%); highest among the groups gnomAD compares: South Asian, 0.0088%; no homozygotes.

Submission:

Labcorp Genetics (formerly Invitae), Labcorp
Classification: Uncertain significance for Danon disease. Last evaluated: 2024-11-16. Review status: criteria provided, single submitter. Criteria: Invitae Variant Classification Sherloc (09022015). Collection method: clinical testing. Allele origin: germline.
Comment: This sequence change falls in intron 4 of the LAMP2 gene. It does not directly change the encoded amino acid sequence of the LAMP2 protein. This variant is present in population databases (no rsID available, gnomAD 0.008%). This variant has not been reported in the literature in individuals affected with LAMP2-related conditions. ClinVar contains an entry for this variant (Variation ID: 1520640). Algorithms developed to predict the effect of sequence changes on RNA splicing suggest that this variant may create or strengthen a splice site. In summary, the available evidence is currently insufficient to determine the role of this variant in disease. Therefore, it has been classified as a Variant of Uncertain Significance.

NM_002294.3(LAMP2):c.556+14A>G

Gene: LAMP2 (lysosome associated membrane protein 2; minus strand). Cytogenetic location: Xq24.
Variant type: single nucleotide variant.
Coding change: c.556+14A>G on transcript NM_002294.3 (MANE Select); 14 bases into the intron after coding-DNA position 556, A replaced by G.
Molecular consequence: intron variant.
Genome position (GRCh38, 1-based): chrX:120,448,956, T>C on the plus strand (A>G on the coding strand, the complement: LAMP2 is on the minus strand). VCF-style: chrX-120448956-T-C. GRCh37 (hg19) VCF-style: chrX-119582811-T-C.
Other names: c.556+14A>G (NM_001122606.1, NM_013995.2).
Identifiers: ClinVar variation 1520640 (VCV001520640.8), dbSNP rs1180149958, ClinGen allele CA644131196.
Genomic context (GRCh38, chrX:120,448,956, plus strand): 5'-ACTTCAATGAAAGCTACCTGGTATACTCTACTCTTAAATTAGGATCCAAGTAGAGAAATA[T>C]ATACTTTACTCACCATTTGTGCTCACTGTGCCATTTTGGACAAAAGCTTGTACAAGAACA-3'